The following is an entry in ClinVar:

NM_000051.4(ATM):c.5256T>G (p.Ile1752Met)

Gene: ATM (ATM serine/threonine kinase; plus strand). Cytogenetic location: 11q22.3.
Variant type: single nucleotide variant.
Coding change: c.5256T>G on transcript NM_000051.4 (MANE Select); coding-DNA position 5256, T replaced by G.
Protein change: p.Ile1752Met; replaces isoleucine 1752 with methionine.
Molecular consequence: missense variant.
Genome position (GRCh38, 1-based): chr11:108,301,726, T>G. VCF-style: chr11-108301726-T-G. GRCh37 (hg19) VCF-style: chr11-108172453-T-G.
Other names: c.5256T>G, p.Ile1752Met (NM_001351834.2); short protein forms I1752M.
Identifiers: ClinVar variation 2496721 (VCV002496721.2), dbSNP rs1555105718, ClinGen allele CA382542509.

ClinVar aggregate classification (germline): Uncertain significance (1 of 4 stars; one submission).

Conditions:
Hereditary cancer-predisposing syndrome. Also called: Neoplastic Syndromes, Hereditary; Hereditary neoplastic syndrome; Tumor predisposition; Hereditary Cancer Syndrome. Identifiers: Orphanet 140162, MedGen C0027672, MeSH D009386, MONDO:0015356.

gnomAD v4.1: 1 of 1,613,728 alleles (0.000062%); highest among the groups gnomAD compares: Non-Finnish European, 0.000085%; no homozygotes.

Submission:

Ambry Genetics
Classification: Uncertain significance for Hereditary cancer-predisposing syndrome. Last evaluated: 2023-03-06. Review status: criteria provided, single submitter. Criteria: Ambry Variant Classification Scheme 2023. Collection method: clinical testing. Allele origin: germline.
Comment: The p.I1752M variant (also known as c.5256T>G), located in coding exon 34 of the ATM gene, results from a T to G substitution at nucleotide position 5256. The isoleucine at codon 1752 is replaced by methionine, an amino acid with highly similar properties. This amino acid position is conserved. In addition, this alteration is predicted to be tolerated by in silico analysis. Since supporting evidence is limited at this time, the clinical significance of this alteration remains unclear.